The following is an entry in ClinVar:

NM_001283009.2(RTEL1):c.3053C>T (p.Pro1018Leu)

Genes: RTEL1 (regulator of telomere elongation helicase 1; plus strand), RTEL1-TNFRSF6B (RTEL1-TNFRSF6B readthrough (NMD candidate); plus strand). Cytogenetic location: 20q13.33.
Variant type: single nucleotide variant.
Coding change: c.3053C>T on transcript NM_001283009.2 (MANE Select); coding-DNA position 3053, C replaced by T.
Protein change: p.Pro1018Leu; replaces proline 1018 with leucine.
Molecular consequence: missense variant. On other transcripts: non-coding transcript variant (1).
Genome position (GRCh38, 1-based): chr20:63,694,432, C>T. VCF-style: chr20-63694432-C-T. GRCh37 (hg19) VCF-style: chr20-62325785-C-T.
Other names: c.2384C>T, p.Pro795Leu (NM_001283010.1); c.3053C>T, p.Pro1018Leu (NM_016434.4); c.3125C>T, p.Pro1042Leu (NM_032957.5); short protein forms P1018L, P1042L, P795L.
Identifiers: ClinVar variation 4157698 (VCV004157698.1).

ClinVar aggregate classification (germline): Uncertain significance (1 of 4 stars; one submission).

Conditions:
Inborn genetic diseases. Identifiers: MedGen C0950123, MeSH D030342.

Submission:

Ambry Genetics
Classification: Uncertain significance for Inborn genetic diseases. Last evaluated: 2025-08-25. Review status: criteria provided, single submitter. Criteria: Ambry Variant Classification Scheme 2023. Collection method: clinical testing. Allele origin: germline.
Comment: The p.P1018L variant (also known as c.3053C>T), located in coding exon 30 of the RTEL1 gene, results from a C to T substitution at nucleotide position 3053. The proline at codon 1018 is replaced by leucine, an amino acid with similar properties. This amino acid position is conserved. In addition, the in silico prediction for this alteration is inconclusive. Based on the available evidence, the clinical significance of this variant remains unclear.